The following is an entry in ClinVar:

ClinVar aggregate classification (germline): Uncertain significance (1 of 4 stars; one submission).

Submission:

GeneDx
Classification: Uncertain significance. Last evaluated: 2019-06-26. Review status: criteria provided, single submitter. Criteria: GeneDx Variant Classification Process June 2021. Collection method: clinical testing. Allele origin: germline. Affected: yes.
Comment: Not observed in large population cohorts (Lek et al., 2016); In silico analysis, which includes protein predictors and evolutionary conservation, supports a deleterious effect; Has not been previously published as pathogenic or benign to our knowledge

NM_005502.4(ABCA1):c.473T>G (p.Leu158Arg)

Gene: ABCA1 (ATP binding cassette subfamily A member 1; minus strand). Cytogenetic location: 9q31.1.
Variant type: single nucleotide variant.
Coding change: c.473T>G on transcript NM_005502.4 (MANE Select); coding-DNA position 473, T replaced by G.
Protein change: p.Leu158Arg; replaces leucine 158 with arginine.
Molecular consequence: missense variant.
Genome position (GRCh38, 1-based): chr9:104,861,749, A>C on the plus strand (T>G on the coding strand, the complement: ABCA1 is on the minus strand). VCF-style: chr9-104861749-A-C. GRCh37 (hg19) VCF-style: chr9-107624030-A-C.
Other names: short protein forms L158R.
Identifiers: ClinVar variation 1303593 (VCV001303593.2), dbSNP rs2119105441, ClinGen allele CA374313134.